The following is an entry in ClinVar:

NM_002907.4(RECQL):c.863del (p.Tyr288fs)

Gene: RECQL (RecQ like helicase; minus strand). Cytogenetic location: 12p12.1.
Variant type: Deletion.
Coding change: c.863del on transcript NM_002907.4 (MANE Select); coding-DNA position 863, one base deleted (A; older notation c.863delA).
Protein change: p.Tyr288fs; shifts the reading frame from tyrosine 288.
Molecular consequence: frameshift variant.
Genome position (GRCh38, 1-based): chr12:21,477,807, T deleted on the plus strand (A on the coding strand, the reverse complement: RECQL is on the minus strand). VCF-style (leftmost placement, unchanged base first): chr12-21477806-AT-A. GRCh37 (hg19) VCF-style: chr12-21630740-AT-A.
Other names: c.863del, p.Tyr288fs (NM_032941.3); short protein forms Y288fs.
Identifiers: ClinVar variation 1764129 (VCV001764129.2), dbSNP rs2540355590, ClinGen allele CA2580085315.

ClinVar aggregate classification (germline): Uncertain significance (1 of 4 stars; one submission).

Submission:

Ambry Genetics
Classification: Uncertain significance. Last evaluated: 2021-10-01. Review status: criteria provided, single submitter. Criteria: Ambry Variant Classification Scheme 2023. Collection method: clinical testing. Allele origin: germline.
Comment: The c.863delA variant, located in coding exon 6 of the RECQL gene, results from a deletion of one nucleotide at nucleotide position 863, causing a translational frameshift with a predicted alternate stop codon (p.Y288Lfs*18). This alteration is expected to result in premature protein truncation or nonsense-mediated mRNA decay. However, the gene-disease association for RECQL is limited. Since supporting evidence is limited at this time, the clinical significance of this alteration remains unclear.